The following is an entry in ClinVar:

ClinVar aggregate classification (germline): Likely pathogenic (1 of 4 stars; one submission).

Conditions:
RYR2-related disorder. Also called: RYR2-related condition.

Submission:

Rady Children's Institute for Genomic Medicine, Rady Children's Hospital San Diego
Classification: Likely pathogenic for RYR2-related disorders. Last evaluated: 2025-01-31. Review status: criteria provided, single submitter. Criteria: ACMG Guidelines, 2015. Collection method: clinical testing. Allele origin: germline. Affected: yes.
Comment: The RYR2 gene is constrained against variation (Z-score = 6.44 and pLI = 1), and missense variants are a common mechanism of disease (HGMD, ClinVar database; PMID: 34016269). The c.12312C>A (p.Asn4104Lys) variant affects a highly conserved amino acid and is predicted by multiple in silico tools to have a deleterious effect on protein function. This variant has been previously reported as a heterozygous change in a patient with catecholaminergic polymorphic ventricular tachycardia (CPVT) (PMID: 22787013). A different nucleotide change that results in the same amino acid residue (c.12312C>G (p.Asn4104Lys)) has been reported as a de novo heterozygous change in a patient with CPVT (PMID: 11208676). Additionally, a different amino acid change at the same residue (p.Asn4104Ile) has been previously reported to segregate in families with CPVT (PMID: 16272262, 22383456). Functional studies demonstrated that the p.Asn4104Lys variant leads to increased release of calcium ions (PMID: 15322274, 12919952, 29427818). The c.12312C>A (p.Asn4104Lys) variant is absent from the latest version of the gnomAD population database and thus is presumed to be rare. Based on parental analysis, this variant likely occurred as a de novo event. Based on the available evidence, c.12312C>A (p.Asn4104Lys) is classified as Likely Pathogenic.

Literature cited by the submitters: PubMed 34016269; PubMed 22787013; PubMed 11208676; PubMed 16272262; PubMed 22383456; PubMed 15322274; PubMed 12919952; PubMed 29427818.

NM_001035.3(RYR2):c.12312C>A (p.Asn4104Lys)

Gene: RYR2 (ryanodine receptor 2; plus strand). Cytogenetic location: 1q43.
Variant type: single nucleotide variant.
Coding change: c.12312C>A on transcript NM_001035.3 (MANE Select); coding-DNA position 12312, C replaced by A.
Protein change: p.Asn4104Lys; replaces asparagine 4104 with lysine.
Molecular consequence: missense variant.
Genome position (GRCh38, 1-based): chr1:237,784,024, C>A. VCF-style: chr1-237784024-C-A. GRCh37 (hg19) VCF-style: chr1-237947324-C-A.
Other names: short protein forms N4104K.
Identifiers: ClinVar variation 4814200 (VCV004814200.1).
Genomic context (GRCh38, chr1:237,784,024, plus strand): 5'-CAAACGCTTCCACGAACCTGCGAAGGACATCGGCTTCAACGTCGCCGTCCTTCTGACAAA[C>A]CTCTCTGAGCACATGCCCAACGATACCCGACTTCAGACTTTTCTGGAATTAGCAGAGAGC-3'
Protein context (NP_001026.2, residues 4094-4114): IGFNVAVLLT[Asn4104Lys]LSEHMPNDTR